The following is an entry in ClinVar:

NM_000191.3(HMGCL):c.394_406dup (p.Lys136fs)

Gene: HMGCL (3-hydroxy-3-methylglutaryl-CoA lyase; minus strand). Cytogenetic location: 1p36.11.
Variant type: Duplication.
Coding change: c.394_406dup on transcript NM_000191.3 (MANE Select); coding-DNA positions 394 to 406, 13 bases duplicated (GAGCTCTTCACCA).
Protein change: p.Lys136fs; shifts the reading frame from lysine 136.
Molecular consequence: frameshift variant. On other transcripts: intron variant (1).
Genome position (GRCh38, 1-based): chr1:23,814,281-23,814,293, TGGTGAAGAGCTC duplicated on the plus strand (GAGCTCTTCACCA on the coding strand, the reverse complement: HMGCL is on the minus strand); duplicating any 13 consecutive bases within chr1:23,814,281-23,814,295 gives the same sequence; the c. name uses the placement nearest the transcript's 3' end. VCF-style (leftmost placement, unchanged base first): chr1-23814280-T-TTGGTGAAGAGCTC. GRCh37 (hg19) VCF-style: chr1-24140770-T-TTGGTGAAGAGCTC.
Other names: c.348+2382_348+2394dup (NM_001166059.2); short protein forms K136fs.
Identifiers: ClinVar variation 2107245 (VCV002107245.4), dbSNP rs2521441229, ClinGen allele CA2580061562.

ClinVar aggregate classification (germline): Pathogenic (1 of 4 stars; one submission).

Conditions:
Deficiency of hydroxymethylglutaryl-CoA lyase (HMGCLD). Also called: Defect in leucine metabolism; 3-hydroxy-3-methylglutaric aciduria; HMGCL DEFICIENCY; HYDROXYMETHYLGLUTARIC ACIDURIA; HMG-CoA LYASE DEFICIENCY. Identifiers: Orphanet 20, MedGen C1533587, MONDO:0009520, OMIM 246450.

Submission:

Labcorp Genetics (formerly Invitae), Labcorp
Classification: Pathogenic for Deficiency of hydroxymethylglutaryl-CoA lyase. Last evaluated: 2022-03-06. Review status: criteria provided, single submitter. Criteria: Invitae Variant Classification Sherloc (09022015). Collection method: clinical testing. Allele origin: germline.
Comment: This sequence change creates a premature translational stop signal (p.Lys136Argfs*20) in the HMGCL gene. It is expected to result in an absent or disrupted protein product. Loss-of-function variants in HMGCL are known to be pathogenic (PMID: 9817922, 17692550, 23465862). This variant is not present in population databases (gnomAD no frequency). This variant has not been reported in the literature in individuals affected with HMGCL-related conditions. For these reasons, this variant has been classified as Pathogenic.

Literature cited by the submitters: PubMed 9817922; PubMed 17692550; PubMed 23465862.